The following is an entry in ClinVar:

ClinVar aggregate classification (germline): Likely pathogenic. Review status: criteria provided, multiple submitters, no conflicts (2 of 4 stars). 2 submissions from 2 submitters: Likely pathogenic (2). Last evaluated 2025-10-02.

Conditions:
Glycogen storage disease due to muscle and heart glycogen synthase deficiency. Also called: GSD 0b; MUSCLE GLYCOGEN SYNTHASE DEFICIENCY. Identifiers: Orphanet 137625, MedGen C1969054, MONDO:0012693, OMIM 611556.

Allele frequency attached by ClinVar (database versions not stated): gnomAD exomes 0.00002; TOPMed 0.00002; gnomAD 0.00003.

Submissions (2):

Labcorp Genetics (formerly Invitae), Labcorp
Classification: Likely pathogenic for Glycogen storage disease due to muscle and heart glycogen synthase deficiency. Last evaluated: 2025-10-02. Review status: criteria provided, single submitter. Criteria: Invitae Variant Classification Sherloc (09022015). Collection method: clinical testing. Allele origin: germline.
Comment: This variant results in the deletion of part of exon 2 (c.119-2_120del) of the GYS1 gene. It is expected to disrupt RNA splicing. Variants that disrupt the donor or acceptor splice site typically lead to a loss of protein function (PMID: 16199547), and loss-of-function variants in GYS1 are known to be pathogenic (PMID: 17928598, 19699667). This variant is not present in population databases (gnomAD no frequency). This variant has not been reported in the literature in individuals affected with GYS1-related conditions. ClinVar contains an entry for this variant (Variation ID: 449031). In summary, the currently available evidence indicates that the variant is pathogenic, but additional data are needed to prove that conclusively. Therefore, this variant has been classified as Likely Pathogenic.

GeneDx
Classification: Likely pathogenic. Last evaluated: 2022-05-19. Review status: criteria provided, single submitter. Criteria: GeneDx Variant Classification Process June 2021. Collection method: clinical testing. Allele origin: germline. Affected: yes.
Comment: Canonical splice site variant predicted to result in a null allele in a gene for which loss of function is a known mechanism of disease; Not observed at significant frequency in large population cohorts (gnomAD); Has not been previously published as pathogenic or benign to our knowledge

Literature cited by the submitters: PubMed 16199547 (cited by Labcorp Genetics (formerly Invitae), Labcorp); PubMed 17928598 (cited by Labcorp Genetics (formerly Invitae), Labcorp); PubMed 19699667 (cited by Labcorp Genetics (formerly Invitae), Labcorp).

NM_002103.5(GYS1):c.119-2_120del

Gene: GYS1 (glycogen synthase 1; minus strand). Cytogenetic location: 19q13.33.
Variant type: Deletion.
Coding change: c.119-2_120del on transcript NM_002103.5 (MANE Select); the canonical splice acceptor site of the intron before coding-DNA position 119 through coding-DNA position 120, 4 bases deleted (AGTG; older notation c.119-2_120delAGTG).
Molecular consequence: splice acceptor variant.
Genome position (GRCh38, 1-based): chr19:48,991,482-48,991,485, CACT deleted on the plus strand (AGTG on the coding strand, the reverse complement: GYS1 is on the minus strand). VCF-style (leftmost placement, unchanged base first): chr19-48991481-CCACT-C. GRCh37 (hg19) VCF-style: chr19-49494738-CCACT-C.
Other names: c.119-2_120del (NM_002103.4, NM_001161587.2).
Identifiers: ClinVar variation 449031 (VCV000449031.11), dbSNP rs1422043936, ClinGen allele CA658658826.